The following is an entry in ClinVar:

NM_001267550.2(TTN):c.106556A>G (p.Lys35519Arg)

Genes: TTN-AS1 (TTN antisense RNA 1; plus strand), TTN (titin; minus strand). Cytogenetic location: 2q31.2.
Variant type: single nucleotide variant.
Coding change: c.106556A>G on transcript NM_001267550.2 (MANE Select); coding-DNA position 106556, A replaced by G.
Protein change: p.Lys35519Arg; replaces lysine 35519 with arginine.
Molecular consequence: missense variant.
Genome position (GRCh38, 1-based): chr2:178,529,195, T>C on the plus strand (A>G on the coding strand, the complement: TTN is on the minus strand). VCF-style: chr2-178529195-T-C. GRCh37 (hg19) VCF-style: chr2-179393922-T-C.
Other names: c.101633A>G, p.Lys33878Arg (NM_001256850.1); c.79361A>G, p.Lys26454Arg (NM_003319.4); c.98852A>G, p.Lys32951Arg (NM_133378.4); c.79736A>G, p.Lys26579Arg (NM_133432.3); c.79937A>G, p.Lys26646Arg (NM_133437.4); short protein forms K35519R, K26579R, K32951R, K26646R, K26454R, K33878R.
Identifiers: ClinVar variation 534970 (VCV000534970.3), dbSNP rs1422047351, ClinGen allele CA349404422.

ClinVar aggregate classification (germline): Uncertain significance (1 of 4 stars; one submission).

Conditions:
Autosomal recessive limb-girdle muscular dystrophy type 2J (LGMDR10). Also called: Limb-girdle muscular dystrophy, type 2J; MUSCULAR DYSTROPHY, LIMB-GIRDLE, AUTOSOMAL RECESSIVE 10. Identifiers: Orphanet 140922, MedGen C1837342, MONDO:0012127, OMIM 608807.
Dilated cardiomyopathy 1G (CMD1G). Identifiers: Orphanet 154, MedGen C1858763, MONDO:0011400, OMIM 604145.

Allele frequency attached by ClinVar (database versions not stated): gnomAD exomes below 0.00001 and 0.00001; TOPMed below 0.00001.
gnomAD v4.1: 1 of 1,504,720 alleles (0.000066%); highest among the groups gnomAD compares: Middle Eastern, 0.018%; no homozygotes.

Submission:

Labcorp Genetics (formerly Invitae), Labcorp
Classification: Uncertain significance for Dilated cardiomyopathy 1G; Autosomal recessive limb-girdle muscular dystrophy type 2J. Last evaluated: 2017-09-25. Review status: criteria provided, single submitter. Criteria: Invitae Variant Classification Sherloc (09022015). Collection method: clinical testing. Allele origin: germline.
Comment: This sequence change replaces lysine with arginine at codon 35519 of the TTN protein (p.Lys35519Arg). The lysine residue is moderately conserved and there is a small physicochemical difference between lysine and arginine. This variant is not present in population databases (ExAC no frequency). This variant has not been reported in the literature in individuals with TTN-related disease. This variant identified in the TTN gene is located in the M band of the resulting protein (PMID: 25589632). It is unclear how this variant impacts the function of this protein. Algorithms developed to predict the effect of missense changes on protein structure and function are unavailable for the TTN gene. In summary, this variant is a novel missense change with unknown impact on protein function. Missense variants in this region of the TTN gene are typically not causative for cardiac disease, but may be relevant for neuromuscular disorders. However, the available evidence is currently insufficient to determine this variant‚Äôs role in disease. Therefore, it has been classified as a Variant of Uncertain Significance.

Literature cited by the submitters: PubMed 25589632.